The following is an entry in ClinVar:

NM_001042492.3(NF1):c.3914T>G (p.Leu1305Ter)

Gene: NF1 (neurofibromin 1; plus strand). Cytogenetic location: 17q11.2.
Variant type: single nucleotide variant.
Coding change: c.3914T>G on transcript NM_001042492.3 (MANE Select); coding-DNA position 3914, T replaced by G.
Protein change: p.Leu1305Ter; replaces leucine 1305 with a stop codon.
Molecular consequence: nonsense.
Genome position (GRCh38, 1-based): chr17:31,235,961, T>G. VCF-style: chr17-31235961-T-G. GRCh37 (hg19) VCF-style: chr17-29562979-T-G.
Other names: c.3914T>G, p.Leu1305Ter (NM_000267.4); short protein forms L1305*.
Identifiers: ClinVar variation 4762943 (VCV004762943.1).

ClinVar aggregate classification (germline): Pathogenic (1 of 4 stars; one submission).

Conditions:
Neurofibromatosis, type 1 (NF1). Also called: VON RECKLINGHAUSEN DISEASE; Neurofibromatosis, type I; NEUROFIBROMATOSIS, TYPE I, SOMATIC; Peripheral type neurofibromatosis. Identifiers: Orphanet 636, MedGen C0027831, MONDO:0018975, OMIM 162200. Disease mechanism: loss of function.

Submission:

Labcorp Genetics (formerly Invitae), Labcorp
Classification: Pathogenic for Neurofibromatosis, type 1. Last evaluated: 2025-03-30. Review status: criteria provided, single submitter. Criteria: Invitae Variant Classification Sherloc (09022015). Collection method: clinical testing. Allele origin: germline.
Comment: This sequence change creates a premature translational stop signal (p.Leu1305*) in the NF1 gene. It is expected to result in an absent or disrupted protein product. Loss-of-function variants in NF1 are known to be pathogenic (PMID: 10712197, 23913538). This variant is not present in population databases (gnomAD no frequency). This variant has not been reported in the literature in individuals affected with NF1-related conditions. For these reasons, this variant has been classified as Pathogenic.

Literature cited by the submitters: PubMed 10712197; PubMed 23913538.